The following is an entry in ClinVar:

NM_017909.4(RMND1):c.729+1G>A

Gene: RMND1 (required for meiotic nuclear division 1 homolog; minus strand). Cytogenetic location: 6q25.1.
Variant type: single nucleotide variant.
Coding change: c.729+1G>A on transcript NM_017909.4 (MANE Select); the canonical splice donor site of the intron after coding-DNA position 729, G replaced by A.
Molecular consequence: splice donor variant.
Genome position (GRCh38, 1-based): chr6:151,430,137, C>T on the plus strand (G>A on the coding strand, the complement: RMND1 is on the minus strand). VCF-style: chr6-151430137-C-T. GRCh37 (hg19) VCF-style: chr6-151751272-C-T.
Other names: c.219+1G>A (NM_001271937.2).
Identifiers: ClinVar variation 3367094 (VCV003367094.1).

ClinVar aggregate classification (germline): Likely pathogenic (1 of 4 stars; one submission).

Conditions:
Combined oxidative phosphorylation defect type 11. Also called: ENCEPHALONEUROMYOPATHY, INFANTILE, DUE TO MITOCHONDRIAL TRANSLATION DEFECT; Combined oxidative phosphorylation deficiency 11. Identifiers: Orphanet 324535, MedGen C5190991, MONDO:0013969, OMIM 614922.

gnomAD v4.1: 6 of 1,592,012 alleles (0.00038%); highest among the groups gnomAD compares: South Asian, 0.0067%; no homozygotes.

Submission:

Neuberg Centre For Genomic Medicine, NCGM
Classification: Likely pathogenic for Combined oxidative phosphorylation defect type 11. Last evaluated: 2023-05-20. Review status: criteria provided, single submitter. Criteria: ACMG Guidelines, 2015. Collection method: clinical testing. Allele origin: germline. Inheritance: Autosomal recessive inheritance. Affected: yes.
Comment: The observed invariant splice donor c.729+1G>A has not been reported previously as a pathogenic variant nor as a benign variant, to our knowledge. This variant is present with an allele frequency of 0.0004% in gnomAD Exomes database. This variant has not been submitted to the ClinVar database. Splice AI predicts this variant to cause splice donor loss (0.89). Loss of function variants have been previously reported to be disease causing. Functional studies are required to prove pathogenicity of the variant. For these reasons, this variant has been classified as Likely Pathogenic. In absence of another reportable variant in RMND1 gene, the molecular diagnosis is not confirmed.